The following is an entry in ClinVar:

ClinVar aggregate classification (germline): Pathogenic (1 of 4 stars; one submission).

Submission:

ISCA Site 6
Classification: Pathogenic. Last evaluated: 2011-08-12. Review status: criteria provided, single submitter. Criteria: Kaminsky et al. (Genet Med. 2011). Collection method: clinical testing. Allele origin: unknown. Affected: yes. Observed: 1 variant allele.
Comment: Copy number variation identified through the course of routine clinical cytogenomic testing in postnatal populations. Clinical assertions have been curated as described in Kaminsky et al. 2011.

GRCh38/hg38 22q13.31-13.33(chr22:45648256-50739836)x1

Genes: ACR (acrosin; plus strand), ADM2 (adrenomedullin 2; plus strand), ALG12 (ALG12 alpha-1,6-mannosyltransferase; minus strand), ARSA (arylsulfatase A; minus strand), ATXN10 (ataxin 10; plus strand) and 341 more. Cytogenetic location: 22q13.31-13.33.
Variant type: copy number loss.
Change: copy number 1 (one copy instead of two) of chr22:45,648,256-50,739,836 (5.09 Mb, GRCh38 coordinates, 1-based), cytogenetic band 22q13.31-13.33.
Identifiers: ClinVar variation 57673 (VCV000057673.3).